The following is an entry in ClinVar:

ClinVar aggregate classification (germline): Pathogenic (1 of 4 stars; one submission).

Conditions:
Tumor predisposition syndrome 3 (TPDS3). Also called: Melanoma, cutaneous malignant, susceptibility to, 10; Glioma susceptibility 9; LONG TELOMERE SYNDROME, POT1-RELATED; POT1 Tumor Predisposition. Identifiers: Orphanet 618, MedGen C4014476, MONDO:0014368, OMIM 615848.

Submission:

Labcorp Genetics (formerly Invitae), Labcorp
Classification: Pathogenic for Tumor predisposition syndrome 3. Last evaluated: 2021-07-29. Review status: criteria provided, single submitter. Criteria: Invitae Variant Classification Sherloc (09022015). Collection method: clinical testing. Allele origin: germline.
Comment: This variant has not been reported in the literature in individuals affected with POT1-related conditions. This variant is not present in population databases (ExAC no frequency). This sequence change creates a premature translational stop signal (p.Arg188Aspfs*16) in the POT1 gene. It is expected to result in an absent or disrupted protein product. Loss-of-function variants in POT1 are known to be pathogenic (PMID: 32155570). For these reasons, this variant has been classified as Pathogenic.

Literature cited by the submitters: PubMed 32155570.

NM_015450.3(POT1):c.562_563del (p.Arg188fs)

Gene: POT1 (protection of telomeres 1; minus strand). Cytogenetic location: 7q31.33.
Variant type: Deletion.
Coding change: c.562_563del on transcript NM_015450.3 (MANE Select); coding-DNA positions 562 to 563, 2 bases deleted (AG; older notation c.562_563delAG).
Protein change: p.Arg188fs; shifts the reading frame from arginine 188.
Molecular consequence: frameshift variant. On other transcripts: non-coding transcript variant (3).
Genome position (GRCh38, 1-based): chr7:124,859,096-124,859,097, CT deleted on the plus strand (AG on the coding strand, the reverse complement: POT1 is on the minus strand). VCF-style (leftmost placement, unchanged base first): chr7-124859095-CCT-C. GRCh37 (hg19) VCF-style: chr7-124499149-CCT-C.
Other names: c.169_170del, p.Arg57fs (NM_001042594.2); short protein forms R188fs, R57fs.
Identifiers: ClinVar variation 1360495 (VCV001360495.6), dbSNP rs2116526564, ClinGen allele CA2573141672.